The following is an entry in ClinVar:

NM_030632.3(ASXL3):c.2339C>A (p.Ser780Tyr)

Gene: ASXL3 (ASXL transcriptional regulator 3; plus strand). Cytogenetic location: 18q12.1.
Variant type: single nucleotide variant.
Coding change: c.2339C>A on transcript NM_030632.3 (MANE Select); coding-DNA position 2339, C replaced by A.
Protein change: p.Ser780Tyr; replaces serine 780 with tyrosine.
Molecular consequence: missense variant.
Genome position (GRCh38, 1-based): chr18:33,739,743, C>A. VCF-style: chr18-33739743-C-A. GRCh37 (hg19) VCF-style: chr18-31319707-C-A.
Other names: short protein forms S780Y.
Identifiers: ClinVar variation 3360446 (VCV003360446.2).

ClinVar aggregate classification (germline): Uncertain significance (1 of 4 stars; one submission).

Submission:

GeneDx
Classification: Uncertain significance. Last evaluated: 2026-07-16. Review status: criteria provided, single submitter. Criteria: GeneDx Variant Classification Process June 2021. Collection method: clinical testing. Allele origin: germline.
Comment: Not observed at significant frequency in large population cohorts (gnomAD); In silico analysis suggests that this missense variant does not alter protein structure/function; Has not been previously published as pathogenic or benign to our knowledge